The following is an entry in ClinVar:

ClinVar aggregate classification (germline): Uncertain significance (1 of 4 stars; one submission).

Conditions:
Hereditary pheochromocytoma and paraganglioma. Also called: Hereditary paragangliomas and pheochromocytomas; Hereditary pheochromocytoma-paraganglioma; Hereditary Paraganglioma-Pheochromocytoma Syndromes. Identifiers: Orphanet 29072, MedGen C4274332, MONDO:0017366.

Submission:

Labcorp Genetics (formerly Invitae), Labcorp
Classification: Uncertain significance for Hereditary pheochromocytoma and paraganglioma. Last evaluated: 2018-10-26. Review status: criteria provided, single submitter. Criteria: Invitae Variant Classification Sherloc (09022015). Collection method: clinical testing. Allele origin: germline.
Comment: In summary, the available evidence is currently insufficient to determine the role of this variant in disease. Therefore, it has been classified as a Variant of Uncertain Significance. Experimental studies and prediction algorithms are not available for this variant, and the functional significance of the affected amino acid(s) is currently unknown. This variant has not been reported in the literature in individuals with SDHAF2-related disease. This variant is not present in population databases (ExAC no frequency). This variant, c.130_132delCAA, results in the deletion of 1 amino acid of the SDHAF2 protein (p.Gln44del), but otherwise preserves the integrity of the reading frame.

NM_017841.4(SDHAF2):c.130_132del (p.Gln44del)

Gene: SDHAF2 (succinate dehydrogenase complex assembly factor 2; plus strand). Cytogenetic location: 11q12.2.
Variant type: Deletion.
Coding change: c.130_132del on transcript NM_017841.4 (MANE Select); coding-DNA positions 130 to 132, 3 bases deleted (CAA; older notation c.130_132delCAA).
Protein change: p.Gln44del; deletes glutamine 44.
Molecular consequence: inframe deletion.
Genome position (GRCh38, 1-based): chr11:61,437,718-61,437,720, CAA deleted. VCF-style (leftmost placement, unchanged base first): chr11-61437717-CCAA-C. GRCh37 (hg19) VCF-style: chr11-61205189-CCAA-C.
Other names: c.130_132delCAA (NM_017841.2); short protein forms Q44del.
Identifiers: ClinVar variation 659800 (VCV000659800.8), dbSNP rs1590764793, ClinGen allele CA915948117.